The following is an entry in ClinVar:

ClinVar aggregate classification (germline): Uncertain significance (1 of 4 stars; one submission).

Submission:

Labcorp Genetics (formerly Invitae), Labcorp
Classification: Uncertain significance. Last evaluated: 2025-06-29. Review status: criteria provided, single submitter. Criteria: Invitae Variant Classification Sherloc (09022015). Collection method: clinical testing. Allele origin: germline.
Comment: This sequence change replaces serine, which is neutral and polar, with asparagine, which is neutral and polar, at codon 442 of the DLL4 protein (p.Ser442Asn). This variant is not present in population databases (gnomAD no frequency). This variant has not been reported in the literature in individuals affected with DLL4-related conditions. Invitae Evidence Modeling of protein sequence and biophysical properties (such as structural, functional, and spatial information, amino acid conservation, physicochemical variation, residue mobility, and thermodynamic stability) indicates that this missense variant is not expected to disrupt DLL4 protein function with a negative predictive value of 80%. In summary, the available evidence is currently insufficient to determine the role of this variant in disease. Therefore, it has been classified as a Variant of Uncertain Significance.

NM_019074.4(DLL4):c.1325G>A (p.Ser442Asn)

Gene: DLL4 (delta like canonical Notch ligand 4; plus strand). Cytogenetic location: 15q15.1.
Variant type: single nucleotide variant.
Coding change: c.1325G>A on transcript NM_019074.4 (MANE Select); coding-DNA position 1325, G replaced by A.
Protein change: p.Ser442Asn; replaces serine 442 with asparagine.
Molecular consequence: missense variant.
Genome position (GRCh38, 1-based): chr15:40,936,312, G>A. VCF-style: chr15-40936312-G-A. GRCh37 (hg19) VCF-style: chr15-41228510-G-A.
Other names: short protein forms S442N.
Identifiers: ClinVar variation 4781724 (VCV004781724.1).